The following is an entry in ClinVar:

ClinVar aggregate classification (germline): Uncertain significance. Review status: criteria provided, multiple submitters, no conflicts (2 of 4 stars). 3 submissions from 3 submitters: Uncertain significance (3). Last evaluated 2025-08-09.

Conditions:
Hereditary cancer-predisposing syndrome. Also called: Neoplastic Syndromes, Hereditary; Tumor predisposition; Hereditary Cancer Syndrome; Hereditary neoplastic syndrome. Identifiers: Orphanet 140162, MedGen C0027672, MeSH D009386, MONDO:0015356.
Oligodontia-cancer predisposition syndrome. Also called: TOOTH AGENESIS-COLORECTAL CANCER SYNDROME. Identifiers: Orphanet 300576, MedGen C1837750, MONDO:0012075, OMIM 608615. Disease mechanism: loss of function.

Allele frequency attached by ClinVar (database versions not stated): gnomAD exomes below 0.00001; ExAC 0.00001.
gnomAD v4.1: 1 of 1,602,970 alleles (0.000062%); highest among the groups gnomAD compares: Admixed American, 0.0017%; no homozygotes.

Submissions (3):

Labcorp Genetics (formerly Invitae), Labcorp
Classification: Uncertain significance for Oligodontia-cancer predisposition syndrome. Last evaluated: 2025-08-09. Review status: criteria provided, single submitter. Criteria: Invitae Variant Classification Sherloc (09022015). Collection method: clinical testing. Allele origin: germline.
Comment: This sequence change replaces aspartic acid, which is acidic and polar, with histidine, which is basic and polar, at codon 72 of the AXIN2 protein (p.Asp72His). This variant is present in population databases (rs747599888, gnomAD 0.003%). This variant has not been reported in the literature in individuals affected with AXIN2-related conditions. ClinVar contains an entry for this variant (Variation ID: 640421). Invitae Evidence Modeling of protein sequence and biophysical properties (such as structural, functional, and spatial information, amino acid conservation, physicochemical variation, residue mobility, and thermodynamic stability) indicates that this missense variant is expected to disrupt AXIN2 protein function with a positive predictive value of 80%. In summary, the available evidence is currently insufficient to determine the role of this variant in disease. Therefore, it has been classified as a Variant of Uncertain Significance.

Ambry Genetics
Classification: Uncertain significance for Hereditary cancer-predisposing syndrome. Last evaluated: 2024-07-28. Review status: criteria provided, single submitter. Criteria: Ambry Variant Classification Scheme 2023. Collection method: clinical testing. Allele origin: germline.
Comment: The p.D72H variant (also known as c.214G>C), located in coding exon 1 of the AXIN2 gene, results from a G to C substitution at nucleotide position 214. The aspartic acid at codon 72 is replaced by histidine, an amino acid with similar properties. This amino acid position is conserved. In addition, this alteration is predicted to be tolerated by in silico analysis. Based on the available evidence, the clinical significance of this variant remains unclear.

GeneDx
Classification: Uncertain significance. Last evaluated: 2024-01-16. Review status: criteria provided, single submitter. Criteria: GeneDx Variant Classification Process June 2021. Collection method: clinical testing. Allele origin: germline. Affected: yes.
Comment: Not observed at significant frequency in large population cohorts (gnomAD); In silico analysis supports that this missense variant has a deleterious effect on protein structure/function; Has not been previously published as pathogenic or benign to our knowledge

NM_004655.4(AXIN2):c.214G>C (p.Asp72His)

Gene: AXIN2 (axin 2; minus strand). Cytogenetic location: 17q24.1.
Variant type: single nucleotide variant.
Coding change: c.214G>C on transcript NM_004655.4 (MANE Select); coding-DNA position 214, G replaced by C.
Protein change: p.Asp72His; replaces aspartic acid 72 with histidine.
Molecular consequence: missense variant.
Genome position (GRCh38, 1-based): chr17:65,558,407, C>G on the plus strand (G>C on the coding strand, the complement: AXIN2 is on the minus strand). VCF-style: chr17-65558407-C-G. GRCh37 (hg19) VCF-style: chr17-63554525-C-G.
Other names: c.214G>C (LRG_296t1); c.214G>C, p.Asp72His (NM_001363813.1); short protein forms D72H.
Identifiers: ClinVar variation 640421 (VCV000640421.10), dbSNP rs747599888, ClinGen allele CA8719082.